The following is an entry in ClinVar:

ClinVar aggregate classification (germline): Conflicting classifications of pathogenicity. Review status: criteria provided, conflicting classifications (1 of 4 stars). 3 submissions from 3 submitters: Uncertain significance (2); Likely benign (1). Last evaluated 2026-07-07.

Conditions:
Hereditary cancer-predisposing syndrome. Also called: Hereditary Cancer Syndrome; Tumor predisposition; Neoplastic Syndromes, Hereditary; Hereditary neoplastic syndrome. Identifiers: Orphanet 140162, MedGen C0027672, MeSH D009386, MONDO:0015356.
Hereditary breast ovarian cancer syndrome. Also called: Hereditary breast and ovarian cancer; Hereditary breast and/or ovarian cancer syndrome; Breast and ovarian cancer; Hereditary breast and ovarian cancer syndrome; Hereditary breast and ovarian cancer syndrome (HBOC); BRCA1- and BRCA2-Associated Hereditary Breast and Ovarian Cancer. Identifiers: Orphanet 145, MedGen C0677776, MeSH D061325, MONDO:0003582. Disease mechanism: loss of function.

Submissions (3):

Ambry Genetics
Classification: Uncertain significance for Hereditary cancer-predisposing syndrome. Last evaluated: 2026-07-07. Review status: criteria provided, single submitter. Criteria: Ambry Variant Classification Scheme 2023. Collection method: clinical testing. Allele origin: germline.
Comment: The p.L429F variant (also known as c.1287A>C), located in coding exon 9 of the BRCA2 gene, results from an A to C substitution at nucleotide position 1287. The leucine at codon 429 is replaced by phenylalanine, an amino acid with highly similar properties. This amino acid position is conserved. In addition, this alteration is predicted to be tolerated by in silico analysis. Based on the available evidence, the clinical significance of this variant remains unclear.

Labcorp Genetics (formerly Invitae), Labcorp
Classification: Uncertain significance for Hereditary breast ovarian cancer syndrome. Last evaluated: 2023-06-14. Review status: criteria provided, single submitter. Criteria: Invitae Variant Classification Sherloc (09022015). Collection method: clinical testing. Allele origin: germline.
Comment: In summary, the available evidence is currently insufficient to determine the role of this variant in disease. Therefore, it has been classified as a Variant of Uncertain Significance. This sequence change replaces leucine, which is neutral and non-polar, with phenylalanine, which is neutral and non-polar, at codon 429 of the BRCA2 protein (p.Leu429Phe). This variant is not present in population databases (gnomAD no frequency). This variant has not been reported in the literature in individuals affected with BRCA2-related conditions. ClinVar contains an entry for this variant (Variation ID: 1467814). Advanced modeling of protein sequence and biophysical properties (such as structural, functional, and spatial information, amino acid conservation, physicochemical variation, residue mobility, and thermodynamic stability) performed at Invitae indicates that this missense variant is not expected to disrupt BRCA2 protein function.

University of Washington Department of Laboratory Medicine, University of Washington
Classification: Likely benign for Hereditary cancer-predisposing syndrome. Last evaluated: 2023-03-23. Review status: criteria provided, single submitter. Criteria: Dines et al. (Genet Med. 2020). Collection method: curation. Allele origin: germline.
Comment: Missense variant in a coldspot region where missense variants are very unlikely to be pathogenic (PMID:31911673).

BRCA2 exon 10 coldspot. Reclassification based on statistical prior probability.

NM_000059.4(BRCA2):c.1287A>C (p.Leu429Phe)

Gene: BRCA2 (BRCA2 DNA repair associated; plus strand). Cytogenetic location: 13q13.1.
Variant type: single nucleotide variant.
Coding change: c.1287A>C on transcript NM_000059.4 (MANE Select); coding-DNA position 1287, A replaced by C.
Protein change: p.Leu429Phe; replaces leucine 429 with phenylalanine.
Molecular consequence: missense variant.
Genome position (GRCh38, 1-based): chr13:32,332,765, A>C. VCF-style: chr13-32332765-A-C. GRCh37 (hg19) VCF-style: chr13-32906902-A-C.
Other names: c.1287A>C (NM_000059.3); short protein forms L429F.
Identifiers: ClinVar variation 1467814 (VCV001467814.10), dbSNP rs80359782, ClinGen allele CA387762459.